The following is an entry in ClinVar:

NM_004168.4(SDHA):c.1900A>T (p.Thr634Ser)

Gene: SDHA (succinate dehydrogenase complex flavoprotein subunit A; plus strand). Cytogenetic location: 5p15.33.
Variant type: single nucleotide variant.
Coding change: c.1900A>T on transcript NM_004168.4 (MANE Select); coding-DNA position 1900, A replaced by T.
Protein change: p.Thr634Ser; replaces threonine 634 with serine.
Molecular consequence: missense variant.
Genome position (GRCh38, 1-based): chr5:254,498, A>T. VCF-style: chr5-254498-A-T. GRCh37 (hg19) VCF-style: chr5-254613-A-T.
Other names: c.1756A>T, p.Thr586Ser (NM_001294332.2); c.1657A>T, p.Thr553Ser (NM_001330758.2); c.1900A>T (NM_004168.2); short protein forms T586S, T553S, T634S.
Identifiers: ClinVar variation 858933 (VCV000858933.11), dbSNP rs1017441235, ClinGen allele CA359002267.

ClinVar aggregate classification (germline): Uncertain significance. Review status: criteria provided, multiple submitters, no conflicts (2 of 4 stars). 2 submissions from 2 submitters: Uncertain significance (2). Last evaluated 2024-02-09.

Conditions:
Hereditary cancer-predisposing syndrome. Also called: Neoplastic Syndromes, Hereditary; Hereditary neoplastic syndrome; Tumor predisposition; Hereditary Cancer Syndrome. Identifiers: Orphanet 140162, MedGen C0027672, MeSH D009386, MONDO:0015356.
Mitochondrial complex II deficiency, nuclear type 1. Also called: SUCCINATE CoQ REDUCTASE DEFICIENCY. Identifiers: Orphanet 3208, MedGen C5700310, MONDO:0100294, OMIM 252011.
Pheochromocytoma/paraganglioma syndrome 5. Also called: Paragangliomas 5; SDHA-Related Hereditary Paraganglioma-Pheochromocytoma Syndrome. Identifiers: Orphanet 29072, MedGen C3279992, MONDO:0013602, OMIM 614165.

Allele frequency attached by ClinVar (database versions not stated): gnomAD 0.00001; gnomAD exomes 0.00001; TOPMed 0.00001.
gnomAD v4.1: 4 of 1,564,938 alleles (0.00026%); highest among the groups gnomAD compares: East Asian, 0.0023%; no homozygotes.

Submissions (2):

Ambry Genetics
Classification: Uncertain significance for Hereditary cancer-predisposing syndrome. Last evaluated: 2024-02-09. Review status: criteria provided, single submitter. Criteria: Ambry Variant Classification Scheme 2023. Collection method: clinical testing. Allele origin: germline.
Comment: The p.T634S variant (also known as c.1900A>T), located in coding exon 14 of the SDHA gene, results from an A to T substitution at nucleotide position 1900. The threonine at codon 634 is replaced by serine, an amino acid with similar properties. This amino acid position is conserved. In addition, the in silico prediction for this alteration is inconclusive. Based on the available evidence, the clinical significance of this alteration remains unclear.

Labcorp Genetics (formerly Invitae), Labcorp
Classification: Uncertain significance for Pheochromocytoma/paraganglioma syndrome 5; Mitochondrial complex II deficiency, nuclear type 1. Last evaluated: 2019-02-26. Review status: criteria provided, single submitter. Criteria: Invitae Variant Classification Sherloc (09022015). Collection method: clinical testing. Allele origin: germline.
Comment: In summary, the available evidence is currently insufficient to determine the role of this variant in disease. Therefore, it has been classified as a Variant of Uncertain Significance. Algorithms developed to predict the effect of missense changes on protein structure and function (SIFT, PolyPhen-2, Align-GVGD) all suggest that this variant is likely to be tolerated, but these predictions have not been confirmed by published functional studies and their clinical significance is uncertain. This variant has not been reported in the literature in individuals with SDHA-related conditions. This variant is not present in population databases (ExAC no frequency). This sequence change replaces threonine with serine at codon 634 of the SDHA protein (p.Thr634Ser). The threonine residue is moderately conserved and there is a small physicochemical difference between threonine and serine.